The following is an entry in ClinVar:

NM_001244710.2(GFPT1):c.133G>A (p.Gly45Ser)

Gene: GFPT1 (glutamine--fructose-6-phosphate transaminase 1; minus strand). Cytogenetic location: 2p13.3.
Variant type: single nucleotide variant.
Coding change: c.133G>A on transcript NM_001244710.2 (MANE Select); coding-DNA position 133, G replaced by A.
Protein change: p.Gly45Ser; replaces glycine 45 with serine.
Molecular consequence: missense variant.
Genome position (GRCh38, 1-based): chr2:69,370,091, C>T on the plus strand (G>A on the coding strand, the complement: GFPT1 is on the minus strand). VCF-style: chr2-69370091-C-T. GRCh37 (hg19) VCF-style: chr2-69597223-C-T.
Other names: c.133G>A, p.Gly45Ser (NM_002056.4); short protein forms G45S.
Identifiers: ClinVar variation 948413 (VCV000948413.9), dbSNP rs914867145, ClinGen allele CA49537439.
Genomic context (GRCh38, chr2:69,370,091, plus strand): 5'-TTCCTTTCTTCTTAATAAGCTGGATTTTGCAGGCATTGGCTTCCCAATCTTTATCATTGC[C>T]TCCATCAAATCCCACACCTAAACCATCATGAGGTAAAAAAGCAAAATTTAGAAACTGGCT-3'
Protein context (NP_001231639.1, residues 35-55): YDSAGVGFDG[Gly45Ser]NDKDWEANAC

ClinVar aggregate classification (germline): Uncertain significance (1 of 4 stars; one submission).

Conditions:
Congenital myasthenic syndrome 12 (CMS12). Also called: MYASTHENIC SYNDROME, CONGENITAL, WITH TUBULAR AGGREGATES 1; Myasthenia, congenital, 12, with tubular aggregates. Identifiers: Orphanet 353327, Orphanet 590, MedGen C3552335, MONDO:0012518, OMIM 610542.

Allele frequency attached by ClinVar (database versions not stated): gnomAD 0.00001; TOPMed 0.00001.

Submission:

Labcorp Genetics (formerly Invitae), Labcorp
Classification: Uncertain significance for Congenital myasthenic syndrome 12. Last evaluated: 2022-03-08. Review status: criteria provided, single submitter. Criteria: Invitae Variant Classification Sherloc (09022015). Collection method: clinical testing. Allele origin: germline.
Comment: In summary, the available evidence is currently insufficient to determine the role of this variant in disease. Therefore, it has been classified as a Variant of Uncertain Significance. Algorithms developed to predict the effect of missense changes on protein structure and function (SIFT, PolyPhen-2, Align-GVGD) all suggest that this variant is likely to be tolerated. ClinVar contains an entry for this variant (Variation ID: 948413). This variant has not been reported in the literature in individuals affected with GFPT1-related conditions. This variant is not present in population databases (gnomAD no frequency). This sequence change replaces glycine, which is neutral and non-polar, with serine, which is neutral and polar, at codon 45 of the GFPT1 protein (p.Gly45Ser).